The following is an entry in ClinVar:

NM_000748.3(CHRNB2):c.1049A>G (p.Gln350Arg)

Gene: CHRNB2 (cholinergic receptor nicotinic beta 2 subunit; plus strand). Cytogenetic location: 1q21.3.
Variant type: single nucleotide variant.
Coding change: c.1049A>G on transcript NM_000748.3 (MANE Select); coding-DNA position 1049, A replaced by G.
Protein change: p.Gln350Arg; replaces glutamine 350 with arginine.
Molecular consequence: missense variant.
Genome position (GRCh38, 1-based): chr1:154,571,872, A>G. VCF-style: chr1-154571872-A-G. GRCh37 (hg19) VCF-style: chr1-154544348-A-G.
Other names: short protein forms Q350R.
Identifiers: ClinVar variation 2782549 (VCV002782549.3), dbSNP rs1321348858, ClinGen allele CA342631377.

ClinVar aggregate classification (germline): Uncertain significance (1 of 4 stars; one submission).

Conditions:
Familial sleep-related hypermotor epilepsy. Also called: Autosomal Dominant Sleep-Related Hypermotor (Hyperkinetic) Epilepsy. Identifiers: Orphanet 98784, MedGen C3696898, MONDO:0000030.

Allele frequency attached by ClinVar (database versions not stated): gnomAD exomes below 0.00001.

Submission:

Labcorp Genetics (formerly Invitae), Labcorp
Classification: Uncertain significance. Last evaluated: 2023-03-14. Review status: criteria provided, single submitter. Criteria: Invitae Variant Classification Sherloc (09022015). Collection method: clinical testing. Allele origin: germline.
Comment: In summary, the available evidence is currently insufficient to determine the role of this variant in disease. Therefore, it has been classified as a Variant of Uncertain Significance. Advanced modeling of protein sequence and biophysical properties (such as structural, functional, and spatial information, amino acid conservation, physicochemical variation, residue mobility, and thermodynamic stability) performed at Invitae indicates that this missense variant is not expected to disrupt CHRNB2 protein function. This variant has not been reported in the literature in individuals affected with CHRNB2-related conditions. The frequency data for this variant in the population databases is considered unreliable, as metrics indicate poor data quality at this position in the gnomAD database. This sequence change replaces glutamine, which is neutral and polar, with arginine, which is basic and polar, at codon 350 of the CHRNB2 protein (p.Gln350Arg).